The following is an entry in ClinVar:

NM_015909.4(NBAS):c.2389C>T (p.Arg797Ter)

Gene: NBAS (NBAS subunit of NRZ tethering complex; minus strand). Cytogenetic location: 2p24.3.
Variant type: single nucleotide variant.
Coding change: c.2389C>T on transcript NM_015909.4 (MANE Select); coding-DNA position 2389, C replaced by T.
Protein change: p.Arg797Ter; replaces arginine 797 with a stop codon.
Molecular consequence: nonsense. On other transcripts: non-coding transcript variant (1).
Genome position (GRCh38, 1-based): chr2:15,427,745, G>A on the plus strand (C>T on the coding strand, the complement: NBAS is on the minus strand). VCF-style: chr2-15427745-G-A. GRCh37 (hg19) VCF-style: chr2-15567869-G-A.
Other names: short protein forms R797*.
Identifiers: ClinVar variation 1373796 (VCV001373796.7), dbSNP rs1268309894, ClinGen allele CA345891525.

ClinVar aggregate classification (germline): Pathogenic/Likely pathogenic. Review status: criteria provided, multiple submitters, no conflicts (2 of 4 stars). 2 submissions from 2 submitters: Pathogenic (1); Likely pathogenic (1). Last evaluated 2024-06-15.

Conditions:
Short stature-optic atrophy-Pelger-Huët anomaly syndrome. Also called: Short stature-optic atrophy-Pelger-HuC+t anomaly syndrome; Short stature, optic nerve atrophy, and Pelger-Huet anomaly. Identifiers: Orphanet 391677, MedGen C3541319, MONDO:0013889, OMIM 614800.
Infantile liver failure syndrome 2 (ILFS2). Identifiers: MedGen C3809651, MONDO:0014659, OMIM 616483.

Allele frequency attached by ClinVar (database versions not stated): TOPMed below 0.00001.

Submissions (2):

Fulgent Genetics
Classification: Likely pathogenic for Short stature-optic atrophy-Pelger-Huët anomaly syndrome; Infantile liver failure syndrome 2. Last evaluated: 2024-06-15. Review status: criteria provided, single submitter. Criteria: ACMG Guidelines, 2015. Collection method: clinical testing. Allele origin: germline.

Labcorp Genetics (formerly Invitae), Labcorp
Classification: Pathogenic. Last evaluated: 2022-10-19. Review status: criteria provided, single submitter. Criteria: Invitae Variant Classification Sherloc (09022015). Collection method: clinical testing. Allele origin: germline.
Comment: This sequence change creates a premature translational stop signal (p.Arg797*) in the NBAS gene. It is expected to result in an absent or disrupted protein product. Loss-of-function variants in NBAS are known to be pathogenic (PMID: 26073778, 26541327, 27789416, 28031453). This variant is not present in population databases (gnomAD no frequency). This variant has not been reported in the literature in individuals affected with NBAS-related conditions. ClinVar contains an entry for this variant (Variation ID: 1373796). Algorithms developed to predict the effect of sequence changes on RNA splicing suggest that this variant may disrupt the consensus splice site. For these reasons, this variant has been classified as Pathogenic.

Literature cited by the submitters: PubMed 26073778 (cited by Labcorp Genetics (formerly Invitae), Labcorp); PubMed 26541327 (cited by Labcorp Genetics (formerly Invitae), Labcorp); PubMed 27789416 (cited by Labcorp Genetics (formerly Invitae), Labcorp); PubMed 28031453 (cited by Labcorp Genetics (formerly Invitae), Labcorp).